The following is an entry in ClinVar:

NM_000297.4(PKD2):c.1044C>G (p.Tyr348Ter)

Gene: PKD2 (polycystin 2, transient receptor potential cation channel; plus strand). Cytogenetic location: 4q22.1.
Variant type: single nucleotide variant.
Coding change: c.1044C>G on transcript NM_000297.4 (MANE Select); coding-DNA position 1044, C replaced by G.
Protein change: p.Tyr348Ter; replaces tyrosine 348 with a stop codon.
Molecular consequence: nonsense. On other transcripts: non-coding transcript variant (1).
Genome position (GRCh38, 1-based): chr4:88,038,451, C>G. VCF-style: chr4-88038451-C-G. GRCh37 (hg19) VCF-style: chr4-88959603-C-G.
Other names: short protein forms Y348*.
Identifiers: ClinVar variation 3642179 (VCV003642179.2).

ClinVar aggregate classification (germline): Pathogenic (1 of 4 stars; one submission).

Conditions:
Autosomal dominant polycystic kidney disease. Identifiers: Orphanet 730, MedGen C0085413, MONDO:0004691.

Submission:

Labcorp Genetics (formerly Invitae), Labcorp
Classification: Pathogenic for Autosomal dominant polycystic kidney disease. Last evaluated: 2024-02-20. Review status: criteria provided, single submitter. Criteria: Invitae Variant Classification Sherloc (09022015). Collection method: clinical testing. Allele origin: germline.
Comment: This sequence change creates a premature translational stop signal (p.Tyr348*) in the PKD2 gene. It is expected to result in an absent or disrupted protein product. Loss-of-function variants in PKD2 are known to be pathogenic (PMID: 17582161, 22863349). This variant is not present in population databases (gnomAD no frequency). This variant has not been reported in the literature in individuals affected with PKD2-related conditions. For these reasons, this variant has been classified as Pathogenic.

Literature cited by the submitters: PubMed 17582161; PubMed 22863349.